The following is an entry in ClinVar:

NM_007055.4(POLR3A):c.950G>A (p.Cys317Tyr)

Gene: POLR3A (RNA polymerase III subunit A; minus strand). Cytogenetic location: 10q22.3.
Variant type: single nucleotide variant.
Coding change: c.950G>A on transcript NM_007055.4 (MANE Select); coding-DNA position 950, G replaced by A.
Protein change: p.Cys317Tyr; replaces cysteine 317 with tyrosine.
Molecular consequence: missense variant.
Genome position (GRCh38, 1-based): chr10:78,021,958, C>T on the plus strand (G>A on the coding strand, the complement: POLR3A is on the minus strand). VCF-style: chr10-78021958-C-T. GRCh37 (hg19) VCF-style: chr10-79781716-C-T.
Other names: p.Cys317Tyr; short protein forms C317Y.
Identifiers: ClinVar variation 5042609 (VCV005042609.1).
Genomic context (GRCh38, chr10:78,021,958, plus strand): 5'-CACTTCTTGGGTGCCATGTTGAGGGGAATGCCCGAGAGCTCACTGTTAATGTAGAGGGCA[C>T]ACTGCAGCTGCAGGAAATCCCAGTCCTCCATGATCATCTGGGTCTTGGCTCCTGAGATCC-3'
Protein context (NP_008986.2, residues 307-327): MEDWDFLQLQ[Cys317Tyr]ALYINSELSG

ClinVar aggregate classification (germline): Pathogenic (1 of 4 stars; one submission).

Conditions:
Neonatal pseudo-hydrocephalic progeroid syndrome. Also called: Wiedemann-Rautenstrauch syndrome. Identifiers: Orphanet 3455, MedGen C0406586, MONDO:0009910, OMIM 264090.

Submission:

Department of Molecular Genetics, Istishari Arab Hospital
Classification: Pathogenic for Neonatal pseudo-hydrocephalic progeroid syndrome. Last evaluated: 2026-10-31. Review status: criteria provided, single submitter. Criteria: ACMG Guidelines, 2015. Collection method: clinical testing. Allele origin: germline. Inheritance: Autosomal recessive inheritance. Affected: yes.
Comment: The POLR3A variant c.950G>A, p.Cys317Tyr, results in substitution of cysteine by tyrosine at amino acid position 317, within exon 7 (of 31 exons). Additionally, this variant has been identified in several patients in our in-house database with overlapping clinical phenotypes. It is classified as pathogenic based on the implementation of ACMG/AMP/ClinGen SVI guidelines.

Literature cited by the submitters: PubMed 36699461.